The following is an entry in ClinVar:

ClinVar aggregate classification (germline): Likely pathogenic (1 of 4 stars; one submission).

Conditions:
Cerebral hypomyelination. Identifiers: MedGen C2677328, HP:0006808.

Submission:

Broad Center for Mendelian Genomics, Broad Institute of MIT and Harvard
Classification: Likely pathogenic for cerebral hypomyelination. Last evaluated: 2020-05-28. Review status: criteria provided, single submitter. Criteria: ACMG Guidelines, 2015. Collection method: research. Allele origin: germline. Inheritance: Autosomal recessive inheritance.
Comment: The heterozygous p.Arg492Pro variant in FIG4 was identified by our study, in the compound heterozygous state, along with another likely pathogenic variant, in 3 siblings with cerebral hypomyelination (PMID: 30740813). This variant was absent from large population studies. Computational prediction tools and conservation analyses suggest that this variant may impact the protein, though this information is not predictive enough to determine pathogenicity. In vitro functional studies provide some evidence that the p.Arg492Pro variant may slightly impact protein function (PMID: 30740813). However, these types of assays may not accurately represent biological function. The p.Arg492Pro is located in a region of FIG4 that is essential to protein folding and stability, suggesting that this variant is in a functional domain and supports pathogenicity (PMID: 30740813). In summary, although additional studies are required to fully establish its clinical significance, this variant is likely pathogenic. ACMG/AMP Criteria applied: PM2, PM1, PP3, PP1, PS3_Supporting (Richards 2015).

Literature cited by the submitters: PubMed 30740813.

NM_014845.6(FIG4):c.1475G>C (p.Arg492Pro)

Gene: FIG4 (FIG4 phosphoinositide 5-phosphatase; plus strand). Cytogenetic location: 6q21.
Variant type: single nucleotide variant.
Coding change: c.1475G>C on transcript NM_014845.6 (MANE Select); coding-DNA position 1475, G replaced by C.
Protein change: p.Arg492Pro; replaces arginine 492 with proline.
Molecular consequence: missense variant.
Genome position (GRCh38, 1-based): chr6:109,765,053, G>C. VCF-style: chr6-109765053-G-C. GRCh37 (hg19) VCF-style: chr6-110086256-G-C.
Other names: short protein forms R492P.
Identifiers: ClinVar variation 977160 (VCV000977160.1), dbSNP rs1777239433, ClinGen allele CA365227597.
Genomic context (GRCh38, chr6:109,765,053, plus strand): 5'-CTTAAGGTATTTCTCTTTAGACTGGCATCCTTCGAACCAACTGTGTGGACTGTTTAGATC[G>C]CACCAACACAGCACAGTTTATGGTGGGAAAATGTGCTCTGGCCTATCAGCTGTATTCACT-3'
Protein context (NP_055660.1, residues 482-502): LRTNCVDCLD[Arg492Pro]TNTAQFMVGK